The following is an entry in ClinVar:

NM_000020.3(ACVRL1):c.1218G>T (p.Trp406Cys)

Gene: ACVRL1 (activin A receptor like type 1; plus strand). Cytogenetic location: 12q13.13.
Variant type: single nucleotide variant.
Coding change: c.1218G>T on transcript NM_000020.3 (MANE Select); coding-DNA position 1218, G replaced by T.
Protein change: p.Trp406Cys; replaces tryptophan 406 with cysteine.
Molecular consequence: missense variant.
Genome position (GRCh38, 1-based): chr12:51,916,205, G>T. VCF-style: chr12-51916205-G-T. GRCh37 (hg19) VCF-style: chr12-52309989-G-T.
Other names: c.1218G>T, p.Trp406Cys (NM_001077401.2); short protein forms W406C.
Identifiers: ClinVar variation 1478836 (VCV001478836.8), dbSNP rs2139077046, ClinGen allele CA384902988.

ClinVar aggregate classification (germline): Pathogenic/Likely pathogenic. Review status: criteria provided, multiple submitters, no conflicts (2 of 4 stars). 2 submissions from 2 submitters: Pathogenic (1); Likely pathogenic (1). Last evaluated 2021-12-29.

Conditions:
Cardiovascular phenotype. Identifiers: MedGen CN230736.
Telangiectasia, hereditary hemorrhagic, type 2 (HHT2). Also called: ACVRL1-Related Hereditary Hemorrhagic Telangiectasia; Telangiectasia, hereditary hemorrhagic, type II. Identifiers: Orphanet 774, MedGen C1838163, MONDO:0010880, OMIM 600376. Disease mechanism: loss of function.

Submissions (2):

Labcorp Genetics (formerly Invitae), Labcorp
Classification: Likely pathogenic for Telangiectasia, hereditary hemorrhagic, type 2. Last evaluated: 2021-12-29. Review status: criteria provided, single submitter. Criteria: Invitae Variant Classification Sherloc (09022015). Collection method: clinical testing. Allele origin: germline.
Comment: This variant is not present in population databases (gnomAD no frequency). This sequence change replaces tryptophan, which is neutral and slightly polar, with cysteine, which is neutral and slightly polar, at codon 406 of the ACVRL1 protein (p.Trp406Cys). This missense change has been observed in individuals with hereditary hemorrhagic telangiectasia (PMID: 15517393, 16429404, 16690726; Invitae). Advanced modeling of protein sequence and biophysical properties (such as structural, functional, and spatial information, amino acid conservation, physicochemical variation, residue mobility, and thermodynamic stability) performed at Invitae indicates that this missense variant is expected to disrupt ACVRL1 protein function. Experimental studies have shown that this missense change affects ACVRL1 function (PMID: 23124896). Algorithms developed to predict the effect of sequence changes on RNA splicing suggest that this variant may create or strengthen a splice site. In summary, the currently available evidence indicates that the variant is pathogenic, but additional data are needed to prove that conclusively. Therefore, this variant has been classified as Likely Pathogenic.

Ambry Genetics
Classification: Pathogenic for Cardiovascular phenotype. Last evaluated: 2017-10-23. Review status: criteria provided, single submitter. Criteria: Ambry Variant Classification Scheme 2023. Collection method: clinical testing. Allele origin: germline.
Comment: The p.W406C pathogenic mutation (also known as c.1218G>T), located in coding exon 7 of the ACVRL1 gene, results from a G to T substitution at nucleotide position 1218. The tryptophan at codon 406 is replaced by cysteine, an amino acid with highly dissimilar properties. This mutation was identified in an individual with a clinical diagnosis of hereditary hemorrhagic telangiectasia (HHT) and segregated with disease in the family (Lenato GM et al. Hum. Mutat., 2006 Feb;27:213-4). This mutation, as the result of a different nucleotide change (c.1218G>C), was also reported in an individual with a clinical diagnosis of HHT (Letteboer TG et al. Hum. Genet., 2005 Jan;116:8-16). In addition, in vitro protein co-localization studies revealed that this mutation results in defective trafficking of the protein to the plasma membrane; instead, the mutant protein is retained in the endoplasmic reticulum (Hume AN et al. Mol. Cell. Biochem., 2013 Jan;373:247-57). Based on the supporting evidence, this alteration is interpreted as a disease-causing mutation.

Literature cited by the submitters: PubMed 15517393 (cited by Labcorp Genetics (formerly Invitae), Labcorp and Ambry Genetics); PubMed 16429404 (cited by Labcorp Genetics (formerly Invitae), Labcorp and Ambry Genetics); PubMed 16690726 (cited by Labcorp Genetics (formerly Invitae), Labcorp); PubMed 23124896 (cited by Labcorp Genetics (formerly Invitae), Labcorp and Ambry Genetics).